The following is an entry in ClinVar:

NM_006514.4(SCN10A):c.4386+6C>T

Gene: SCN10A (sodium voltage-gated channel alpha subunit 10; minus strand). Cytogenetic location: 3p22.2.
Variant type: single nucleotide variant.
Coding change: c.4386+6C>T on transcript NM_006514.4 (MANE Select); 6 bases into the intron after coding-DNA position 4386, C replaced by T.
Molecular consequence: intron variant.
Genome position (GRCh38, 1-based): chr3:38,707,273, G>A on the plus strand (C>T on the coding strand, the complement: SCN10A is on the minus strand). VCF-style: chr3-38707273-G-A. GRCh37 (hg19) VCF-style: chr3-38748764-G-A.
Other names: c.4092+6C>T (NM_001293307.2); c.4383+6C>T (NM_001293306.2).
Identifiers: ClinVar variation 4802575 (VCV004802575.1).

ClinVar aggregate classification (germline): Uncertain significance (1 of 4 stars; one submission).

Conditions:
Brugada syndrome. Also called: Sudden unexpected nocturnal death syndrome; Sudden unexplained nocturnal death syndrome; Sudden Unexplained Death Syndrome; Sudden Unexplained Nocturnal Death Syndrome (SUNDS). Identifiers: Orphanet 130, MedGen C1142166, MONDO:0015263.

Submission:

Labcorp Genetics (formerly Invitae), Labcorp
Classification: Uncertain significance for Brugada syndrome. Last evaluated: 2025-09-03. Review status: criteria provided, single submitter. Criteria: Invitae Variant Classification Sherloc (09022015). Collection method: clinical testing. Allele origin: germline.
Comment: This sequence change falls in intron 25 of the SCN10A gene. It does not directly change the encoded amino acid sequence of the SCN10A protein. It affects a nucleotide within the consensus splice site. This variant is not present in population databases (gnomAD no frequency). This variant has not been reported in the literature in individuals affected with SCN10A-related conditions. Variants that disrupt the consensus splice site are a relatively common cause of aberrant splicing (PMID: 17576681, 9536098). Algorithms developed to predict the effect of sequence changes on RNA splicing suggest that this variant is not likely to affect RNA splicing. In summary, the available evidence is currently insufficient to determine the role of this variant in disease. Therefore, it has been classified as a Variant of Uncertain Significance.

Literature cited by the submitters: PubMed 17576681; PubMed 9536098.